The following is an entry in ClinVar:

ClinVar aggregate classification (germline): Conflicting classifications of pathogenicity. Review status: criteria provided, conflicting classifications (1 of 4 stars). 12 submissions from 12 submitters: Uncertain significance (5); Likely benign (6). 1 of the submissions does not count toward it. Last evaluated 2026-01-27.

Conditions:
Ovarian cancer. Also called: OVARIAN CANCER, SOMATIC. Identifiers: Orphanet 213500, MedGen C1140680, MONDO:0008170, OMIM 167000.
Fanconi anemia complementation group J. Also called: BRIP1-Related Fanconi Anemia. Identifiers: Orphanet 84, MedGen C1836860, MONDO:0012187, OMIM 609054.
Familial ovarian cancer. Identifiers: MedGen C5679802, MONDO:0016248.
Hereditary cancer-predisposing syndrome. Also called: Neoplastic Syndromes, Hereditary; Hereditary Cancer Syndrome; Hereditary neoplastic syndrome; Tumor predisposition. Identifiers: Orphanet 140162, MedGen C0027672, MeSH D009386, MONDO:0015356.
Familial cancer of breast. Also called: Hereditary breast cancer; hereditary breast carcinoma; BREAST CANCER, FAMILIAL. Identifiers: Orphanet 227535, MedGen C0346153, MONDO:0016419, OMIM 114480. Disease mechanism: loss of function.

Allele frequency attached by ClinVar (database versions not stated): gnomAD 0.00001 and 0.00002; TOPMed 0.00002; ExAC 0.00013; gnomAD exomes 0.00013; ESP Exome Variant Server 0.00008.
gnomAD v4.1: 111 of 1,614,186 alleles (0.0069%); highest among the groups gnomAD compares: Middle Eastern, 0.15%; 2 homozygotes.

Submissions (12):

Labcorp Genetics (formerly Invitae), Labcorp
Classification: Likely benign for Familial cancer of breast; Fanconi anemia complementation group J. Last evaluated: 2026-01-27. Review status: criteria provided, single submitter. Criteria: Invitae Variant Classification Sherloc (09022015). Collection method: clinical testing. Allele origin: germline.

GeneDx
Classification: Uncertain significance. Last evaluated: 2025-04-07. Review status: criteria provided, single submitter. Criteria: GeneDx Variant Classification Process June 2021. Collection method: clinical testing. Allele origin: germline. Affected: yes.
Comment: In silico analysis indicates that this missense variant does not alter protein structure/function; This variant is associated with the following publications: (PMID: 27978560, 28135145, 24838835, 25186627, 21279724, 29470806, Ceylan_2021, 11301010)

Quest Diagnostics Nichols Institute San Juan Capistrano
Classification: Likely benign. Last evaluated: 2025-03-31. Review status: criteria provided, single submitter. Criteria: Quest Diagnostics criteria. Collection method: clinical testing. Allele origin: unknown.

Institute for Biomarker Research, Medical Diagnostic Laboratories, L.L.C.
Classification: Likely benign for Hereditary cancer-predisposing syndrome. Last evaluated: 2025-03-10. Review status: criteria provided, single submitter. Criteria: ACMG Guidelines, 2015. Collection method: clinical testing. Allele origin: germline.
Comment: The missense variant NM_032043.3(BRIP1):c.3149C>A (p.Thr1050Asn) has not been reported previously as a pathogenic variant, to our knowledge. There is a small physicochemical difference between threonine and asparagine, which is not likely to impact secondary protein structure as these residues share similar properties. The gene BRIP1 has a low rate of benign missense variation as indicated by a high missense variants Z-Score of 2.45. The p.Thr1050Asn variant is not predicted to introduce a novel splice site by any splice site algorithm. The p.Thr1050Asn missense variant is predicted to be tolerated by both SIFT or PolyPhen2.For these reasons, this variant has been classified as Likely Benign

Center for Genomic Medicine, Rigshospitalet, Copenhagen University Hospital
Classification: Uncertain significance. Last evaluated: 2025-03-04. Review status: criteria provided, single submitter. Criteria: ACMG Guidelines, 2015. Collection method: clinical testing. Allele origin: germline.

Women's Health and Genetics/Laboratory Corporation of America, LabCorp
Classification: Likely benign. Last evaluated: 2024-11-25. Review status: criteria provided, single submitter. Criteria: LabCorp Variant Classification Summary - May 2015. Collection method: clinical testing. Allele origin: germline.
Comment: Variant summary: BRIP1 c.3149C>A (p.Thr1050Asn) results in a non-conservative amino acid change in the encoded protein sequence. Four of five in-silico tools predict a benign effect of the variant on protein function. The variant allele was found at a frequency of 6.9e-05 in 1614186 control chromosomes in the gnomAD database (v4.1 dataset), including 2 homozygotes. The variant was observed predominantly within the South Asian subpopulation at a frequency of 0.00085, which is approximately 13.6 fold of the estimated maximal expected allele frequency for a pathogenic variant in BRIP1 causing Hereditary Breast And Ovarian Cancer Syndrome phenotype (6.3e-05). The variant, c.3149C>A, has been reported in the literature in individuals affected with breast-/ovarian cancer and other tumor phenotypes (e.g. Singh_2018, Moyer_2020, Sahin_2022), however in at least one of these patients a co-occurrence with an (unspecified) pathogenic BRCA1/2 mutation was noted (Moyer_2020). To our knowledge, no experimental evidence demonstrating an impact on protein function has been reported. The following publications have been ascertained in the context of this evaluation (PMID: 29470806, 31822495, 35089076). ClinVar contains an entry for this variant (Variation ID: 140825). Based on the evidence outlined above, the variant was classified as likely benign.

Color Diagnostics, LLC DBA Color Health
Classification: Likely benign for Hereditary cancer-predisposing syndrome. Last evaluated: 2024-09-19. Review status: criteria provided, single submitter. Criteria: ACMG Guidelines, 2015. Collection method: clinical testing. Allele origin: germline.

Myriad Genetics, Inc.
Classification: Uncertain significance for Familial cancer of breast. Last evaluated: 2023-03-01. Review status: criteria provided, single submitter. Criteria: Myriad Autosomal Dominant, Autosomal Recessive and X-Linked Classification Criteria (2023). Collection method: clinical testing. Allele origin: unknown.
Comment: This variant is classified as a variant of uncertain significance as there is insufficient evidence to determine its impact on protein function and/or cancer risk.

Ambry Genetics
Classification: Likely benign for Hereditary cancer-predisposing syndrome. Last evaluated: 2022-12-06. Review status: criteria provided, single submitter. Criteria: Ambry Variant Classification Scheme 2023. Collection method: clinical testing. Allele origin: germline.

Department of Pathology and Laboratory Medicine, Sinai Health System
Classification: Uncertain significance for familial ovarian cancer. Last evaluated: 2022-08-23. Review status: criteria provided, single submitter. Criteria: ACMG Guidelines, 2015. Collection method: clinical testing. Allele origin: germline. Affected: yes.

Fulgent Genetics
Classification: Uncertain significance for Familial cancer of breast; Fanconi anemia complementation group J. Last evaluated: 2018-10-31. Review status: criteria provided, single submitter. Criteria: ACMG Guidelines, 2015. Collection method: clinical testing. Allele origin: unknown.

Counsyl
Classification: Uncertain significance for Fanconi anemia complementation group J; Ovarian cancer. Last evaluated: 2017-01-20. Review status: no assertion criteria provided. Collection method: clinical testing. Allele origin: unknown. Not counted in ClinVar's aggregate classification.

Literature cited by the submitters: PubMed 27978560 (cited by 3 submitters); PubMed 28135145 (cited by 3 submitters); PubMed 29470806 (cited by 4 submitters); PubMed 31822495 (cited by Quest Diagnostics Nichols Institute San Juan Capistrano and Women's Health and Genetics/Laboratory Corporation of America, LabCorp); PubMed 35089076 (cited by Quest Diagnostics Nichols Institute San Juan Capistrano and Women's Health and Genetics/Laboratory Corporation of America, LabCorp); PubMed 21279724 (cited by Ambry Genetics and Department of Pathology and Laboratory Medicine, Sinai Health System); PubMed 25186627 (cited by Ambry Genetics and Department of Pathology and Laboratory Medicine, Sinai Health System).

NM_032043.3(BRIP1):c.3149C>A (p.Thr1050Asn)

Gene: BRIP1 (BRCA1 interacting DNA helicase 1; minus strand). Cytogenetic location: 17q23.2.
Variant type: single nucleotide variant.
Coding change: c.3149C>A on transcript NM_032043.3 (MANE Select); coding-DNA position 3149, C replaced by A.
Protein change: p.Thr1050Asn; replaces threonine 1050 with asparagine.
Molecular consequence: missense variant.
Genome position (GRCh38, 1-based): chr17:61,683,897, G>T on the plus strand (C>A on the coding strand, the complement: BRIP1 is on the minus strand). VCF-style: chr17-61683897-G-T. GRCh37 (hg19) VCF-style: chr17-59761258-G-T.
Other names: short protein forms T1050N.
Identifiers: ClinVar variation 140825 (VCV000140825.39), dbSNP rs373040333, ClinGen allele CA163667.